The following is an entry in ClinVar:

ClinVar aggregate classification (germline): Likely benign (1 of 4 stars; one submission).

Allele frequency attached by ClinVar (database versions not stated): ESP Exome Variant Server 0.00700; gnomAD exomes 0.00879; 1000 Genomes Project 0.00280; 1000 Genomes Project 30x 0.00297; ExAC 0.00523; TOPMed 0.00594; gnomAD 0.00638.
gnomAD v4.1: 13,843 of 1,613,734 alleles (0.86%); highest among the groups gnomAD compares: Non-Finnish European, 1%; 85 homozygotes.

Submission:

CeGaT Center for Human Genetics Tuebingen
Classification: Likely benign. Last evaluated: 2023-02-01. Review status: criteria provided, single submitter. Criteria: CeGaT Center For Human Genetics Tuebingen Variant Classification Criteria Version 2. Collection method: clinical testing. Allele origin: germline. Affected: yes. Observed: 1 variant allele.
Comment: ZNF276: BS2

NM_001113525.2(ZNF276):c.1051C>T (p.Arg351Trp)

Gene: ZNF276 (zinc finger protein 276; plus strand). Cytogenetic location: 16q24.3.
Variant type: single nucleotide variant.
Coding change: c.1051C>T on transcript NM_001113525.2 (MANE Select); coding-DNA position 1051, C replaced by T.
Protein change: p.Arg351Trp; replaces arginine 351 with tryptophan.
Molecular consequence: missense variant. On other transcripts: non-coding transcript variant (4).
Genome position (GRCh38, 1-based): chr16:89,727,323, C>T. VCF-style: chr16-89727323-C-T. GRCh37 (hg19) VCF-style: chr16-89793731-C-T.
Other names: c.826C>T, p.Arg276Trp (NM_152287.4); short protein forms R276W, R351W.
Identifiers: ClinVar variation 2647133 (VCV002647133.24), dbSNP rs17719249, ClinGen allele CA8250080.